The following is an entry in ClinVar:

ClinVar aggregate classification (germline): Uncertain significance (1 of 4 stars; one submission).

Conditions:
Gorlin syndrome. Also called: Basal cell nevus syndrome; Nevoid Basal Cell Carcinoma Syndrome. Identifiers: Orphanet 377, MedGen C0004779, MONDO:0007187.

Submission:

Labcorp Genetics (formerly Invitae), Labcorp
Classification: Uncertain significance for Gorlin syndrome. Last evaluated: 2025-11-03. Review status: criteria provided, single submitter. Criteria: Invitae Variant Classification Sherloc (09022015). Collection method: clinical testing. Allele origin: germline.
Comment: This sequence change replaces leucine, which is neutral and non-polar, with phenylalanine, which is neutral and non-polar, at codon 506 of the PTCH1 protein (p.Leu506Phe). This variant is not present in population databases (gnomAD no frequency). This variant has not been reported in the literature in individuals affected with PTCH1-related conditions. ClinVar contains an entry for this variant (Variation ID: 2859982). Invitae Evidence Modeling of protein sequence and biophysical properties (such as structural, functional, and spatial information, amino acid conservation, physicochemical variation, residue mobility, and thermodynamic stability) has been performed for this missense variant. However, the output from this modeling did not meet the statistical confidence thresholds required to predict the impact of this variant on PTCH1 protein function. In summary, the available evidence is currently insufficient to determine the role of this variant in disease. Therefore, it has been classified as a Variant of Uncertain Significance.

NM_000264.5(PTCH1):c.1516C>T (p.Leu506Phe)

Gene: PTCH1 (patched 1; minus strand). Cytogenetic location: 9q22.32.
Variant type: single nucleotide variant.
Coding change: c.1516C>T on transcript NM_000264.5 (MANE Select); coding-DNA position 1516, C replaced by T.
Protein change: p.Leu506Phe; replaces leucine 506 with phenylalanine.
Molecular consequence: missense variant. On other transcripts: non-coding transcript variant (1).
Genome position (GRCh38, 1-based): chr9:95,476,845, G>A on the plus strand (C>T on the coding strand, the complement: PTCH1 is on the minus strand). VCF-style: chr9-95476845-G-A. GRCh37 (hg19) VCF-style: chr9-98239127-G-A.
Other names: c.1318C>T, p.Leu440Phe (NM_001083602.3); c.1513C>T, p.Leu505Phe (NM_001083603.3); c.1063C>T, p.Leu355Phe (NM_001083604.3, NM_001083605.3, NM_001083606.3 and 1 more transcripts); c.1360C>T, p.Leu454Phe (NM_001354918.2); short protein forms L506F, L454F, L355F, L440F, L505F.
Identifiers: ClinVar variation 2859982 (VCV002859982.3), dbSNP rs2118286329, ClinGen allele CA374118329.